The following is an entry in ClinVar:

NM_030665.4(RAI1):c.5710-5dup

Gene: RAI1 (retinoic acid induced 1; plus strand). Cytogenetic location: 17p11.2.
Variant type: Duplication.
Coding change: c.5710-5dup on transcript NM_030665.4 (MANE Select); 5 bases into the intron before coding-DNA position 5710, one base duplicated (T; older notation c.5710-5dupT).
Molecular consequence: intron variant.
Genome position (GRCh38, 1-based): chr17:17,809,965, T duplicated; the last of 4 consecutive T bases (chr17:17,809,962-17,809,965); duplicating any one gives the same sequence. VCF-style (leftmost placement, unchanged base first): chr17-17809961-C-CT. GRCh37 (hg19) VCF-style: chr17-17713275-C-CT.
Other names: c.5710-5dupT (NM_030665.3).
Identifiers: ClinVar variation 1606478 (VCV001606478.10), dbSNP rs1271191069, ClinGen allele CA726640423.
Genomic context (GRCh38, chr17:17,809,961, plus strand): 5'-CTGGGGGCGGGGCCTATGGACTGTGAAGTCCGAGGTCGTCGGTAACTGGCGGGCGGGCGT[C>CT]TTTTGCAGAGGCTGCCGTAGTAATCCACCCCAACGGCCGGAGGAGCCGCCGGAGCCCGCC-3'

ClinVar aggregate classification (germline): Benign. Review status: criteria provided, single submitter (1 of 4 stars). 2 submissions from 2 submitters: Benign (1). 1 of the submissions does not count toward it. Last evaluated 2021-09-22.

Conditions:
RAI1-related disorder. Also called: RAI1-related condition.

Submissions (2):

Labcorp Genetics (formerly Invitae), Labcorp
Classification: Benign. Last evaluated: 2021-09-22. Review status: criteria provided, single submitter. Criteria: Invitae Variant Classification Sherloc (09022015). Collection method: clinical testing. Allele origin: germline.

PreventionGenetics, part of Exact Sciences
Classification: Likely benign for RAI1-related condition. Last evaluated: 2022-03-02. Review status: no assertion criteria provided. Collection method: clinical testing. Allele origin: germline. Not counted in ClinVar's aggregate classification.
Comment: This variant is classified as likely benign based on ACMG/AMP sequence variant interpretation guidelines (Richards et al. 2015 PMID: 25741868, with internal and published modifications).